The following is an entry in ClinVar:

ClinVar aggregate classification (germline): Uncertain significance (1 of 4 stars; one submission).

Conditions:
Ullrich congenital muscular dystrophy 2 (UCMD2). Identifiers: Orphanet 75840, MedGen C4225314, MONDO:0014654, OMIM 616470.
Bethlem myopathy 2 (BTHLM2). Identifiers: Orphanet 536516, Orphanet 610, MedGen C4225313, MONDO:0034022, OMIM 616471.

Submission:

Labcorp Genetics (formerly Invitae), Labcorp
Classification: Uncertain significance for Bethlem myopathy 2; Ullrich congenital muscular dystrophy 2. Last evaluated: 2023-06-09. Review status: criteria provided, single submitter. Criteria: Invitae Variant Classification Sherloc (09022015). Collection method: clinical testing. Allele origin: germline.
Comment: This sequence change replaces serine, which is neutral and polar, with cysteine, which is neutral and slightly polar, at codon 1858 of the COL12A1 protein (p.Ser1858Cys). This variant is not present in population databases (gnomAD no frequency). This variant has not been reported in the literature in individuals affected with COL12A1-related conditions. Advanced modeling of protein sequence and biophysical properties (such as structural, functional, and spatial information, amino acid conservation, physicochemical variation, residue mobility, and thermodynamic stability) performed at Invitae indicates that this missense variant is expected to disrupt COL12A1 protein function. In summary, the available evidence is currently insufficient to determine the role of this variant in disease. Therefore, it has been classified as a Variant of Uncertain Significance.

NM_004370.6(COL12A1):c.5572A>T (p.Ser1858Cys)

Gene: COL12A1 (collagen type XII alpha 1 chain; minus strand). Cytogenetic location: 6q13.
Variant type: single nucleotide variant.
Coding change: c.5572A>T on transcript NM_004370.6 (MANE Select); coding-DNA position 5572, A replaced by T.
Protein change: p.Ser1858Cys; replaces serine 1858 with cysteine.
Molecular consequence: missense variant.
Genome position (GRCh38, 1-based): chr6:75,133,950, T>A on the plus strand (A>T on the coding strand, the complement: COL12A1 is on the minus strand). VCF-style: chr6-75133950-T-A. GRCh37 (hg19) VCF-style: chr6-75843666-T-A.
Other names: c.5572A>T, p.Ser1858Cys (NM_001424113.1); c.5551A>T, p.Ser1851Cys (NM_001424114.1); c.5299A>T, p.Ser1767Cys (NM_001424115.1); c.2080A>T, p.Ser694Cys (NM_001424116.1, NM_080645.3); short protein forms S1851C, S1858C, S1767C, S694C.
Identifiers: ClinVar variation 2948730 (VCV002948730.3), dbSNP rs2533289106, ClinGen allele CA364735267.